The following is an entry in ClinVar:

ClinVar aggregate classification (germline): Likely benign. Review status: criteria provided, multiple submitters, no conflicts (2 of 4 stars). 2 submissions from 2 submitters: Likely benign (2). Last evaluated 2026-06-22.

Conditions:
PKHD1-related disorder. Also called: PKHD1-related condition.
Autosomal recessive polycystic kidney disease (ARPKD). Also called: AR polycystic kidney disease. Identifiers: Orphanet 731, Orphanet 8378, MedGen C0085548, MeSH D017044, MONDO:0009889.

Submissions (2):

PreventionGenetics, part of Exact Sciences
Classification: Likely benign for PKHD1-related condition. Last evaluated: 2026-06-22. Review status: criteria provided, single submitter. Criteria: ACMG Guidelines, 2015. Collection method: clinical testing. Allele origin: germline.
Comment: This variant is classified as likely benign based on ACMG/AMP sequence variant interpretation guidelines (Richards et al. 2015 PMID: 25741868, with internal and published modifications).

Labcorp Genetics (formerly Invitae), Labcorp
Classification: Likely benign for Autosomal recessive polycystic kidney disease. Last evaluated: 2021-01-22. Review status: criteria provided, single submitter. Criteria: Invitae Variant Classification Sherloc (09022015). Collection method: clinical testing. Allele origin: germline.

NM_138694.4(PKHD1):c.5703T>A (p.Ile1901=)

Gene: PKHD1 (PKHD1 ciliary IPT domain containing fibrocystin/polyductin; minus strand). Cytogenetic location: 6p12.2.
Variant type: single nucleotide variant.
Coding change: c.5703T>A on transcript NM_138694.4 (MANE Select); coding-DNA position 5703, T replaced by A.
Protein change: p.Ile1901=; no amino-acid change (isoleucine 1901 retained).
Molecular consequence: synonymous variant.
Genome position (GRCh38, 1-based): chr6:52,010,357, A>T on the plus strand (T>A on the coding strand, the complement: PKHD1 is on the minus strand). VCF-style: chr6-52010357-A-T. GRCh37 (hg19) VCF-style: chr6-51875155-A-T.
Other names: c.5703T>A, p.Ile1901= (NM_170724.3); c.5703T>A (NM_138694.3).
Identifiers: ClinVar variation 1158279 (VCV001158279.10), dbSNP rs2128117109, ClinGen allele CA450417387.
Genomic context (GRCh38, chr6:52,010,357, plus strand): 5'-ATTTGATTATACCTGAGTGTTCTGGCCCCAGCGTTTCCGTATCTCAGTAATCTTGACGGT[A>T]ATTGGCTGATTGGGCGTCTCACACTCCATCTCTGCCTCAGTTTCCATGGTAATGTTACAG-3'
Protein context (NP_619639.3, residues 1891-1911): EMECETPNQP[Ile1901=]TVKITEIRKR